The following is an entry in ClinVar:

NM_001127511.3(APC):c.-174del

Gene: APC (APC regulator of Wnt signaling pathway; plus strand). Cytogenetic location: 5q22.2.
Variant type: Deletion.
Coding change: c.-174del on transcript NM_001127511.3; 174 bases upstream of the start codon, one base deleted (C; older notation c.-174delC).
Molecular consequence: 5 prime UTR variant. On other transcripts: non-coding transcript variant (2).
Genome position (GRCh38, 1-based): chr5:112,707,544, C deleted. VCF-style (leftmost placement, unchanged base first): chr5-112707543-GC-G. GRCh37 (hg19) VCF-style: chr5-112043240-GC-G.
Other names: c.-357del (NM_001354895.2, NM_001407447.1, NM_001407452.1 and 3 more transcripts); c.-174del (NM_001354897.2, NM_001354902.2, NM_001407446.1); c.-124del (NM_001407448.1, NM_001407450.1, NM_001407457.1 and 1 more transcripts); c.-148del (NM_001407453.1); c.-1392del (NM_001407470.1, NM_001407472.1).
Identifiers: ClinVar variation 3683194 (VCV003683194.2).

ClinVar aggregate classification (germline): Uncertain significance (1 of 4 stars; one submission).

Conditions:
Familial adenomatous polyposis 1 (FAP1). Also called: FAMILIAL ADENOMATOUS POLYPOSIS 1, ATTENUATED; POLYPOSIS, ADENOMATOUS INTESTINAL. Identifiers: MedGen C2713442, MONDO:0021056, OMIM 175100. Disease mechanism: loss of function.

Submission:

Labcorp Genetics (formerly Invitae), Labcorp
Classification: Uncertain significance for Familial adenomatous polyposis 1. Last evaluated: 2024-08-06. Review status: criteria provided, single submitter. Criteria: Invitae Variant Classification Sherloc (09022015). Collection method: clinical testing. Allele origin: germline.
Comment: This variant occurs in a non-coding region of the APC gene. It does not change the encoded amino acid sequence of the APC protein. This variant is not present in population databases (gnomAD no frequency). This variant has not been reported in the literature in individuals affected with APC-related conditions. Experimental studies and prediction algorithms are not available or were not evaluated, and the functional significance of this variant is currently unknown. In summary, the available evidence is currently insufficient to determine the role of this variant in disease. Therefore, it has been classified as a Variant of Uncertain Significance.